The following is an entry in ClinVar:

ClinVar aggregate classification (germline): Likely benign (1 of 4 stars; one submission).

Allele frequency attached by ClinVar (database versions not stated): 1000 Genomes Project 30x 0.00437; 1000 Genomes Project 0.00459; gnomAD 0.00465 and 0.00502; TOPMed 0.00537.

Submission:

GeneDx
Classification: Likely benign. Last evaluated: 2021-05-25. Review status: criteria provided, single submitter. Criteria: GeneDx Variant Classification Process June 2021. Collection method: clinical testing. Allele origin: germline. Affected: yes.
Comment: See Variant Classification Assertion Criteria.

NM_024577.4(SH3TC2):c.*2899_*2910del

Gene: SH3TC2 (SH3 domain and tetratricopeptide repeats 2; minus strand). Cytogenetic location: 5q32.
Variant type: Deletion.
Coding change: c.*2899_*2910del on transcript NM_024577.4 (MANE Select); 2899 bases downstream of the stop codon through 2910 bases downstream of the stop codon, 12 bases deleted (AGCTAAAATTTC).
Molecular consequence: 3 prime UTR variant.
Genome position (GRCh38, 1-based): chr5:149,001,801-149,001,812, GAAATTTTAGCT deleted on the plus strand (AGCTAAAATTTC on the coding strand, the reverse complement: SH3TC2 is on the minus strand). VCF-style (leftmost placement, unchanged base first): chr5-149001800-GGAAATTTTAGCT-G. GRCh37 (hg19) VCF-style: chr5-148381363-GGAAATTTTAGCT-G.
Identifiers: ClinVar variation 1678725 (VCV001678725.2), dbSNP rs199656364, ClinGen allele CA128992733.